The following is an entry in ClinVar:

NM_002335.4(LRP5):c.4723C>T (p.Pro1575Ser)

Gene: LRP5 (LDL receptor related protein 5; plus strand). Cytogenetic location: 11q13.2.
Variant type: single nucleotide variant.
Coding change: c.4723C>T on transcript NM_002335.4 (MANE Select); coding-DNA position 4723, C replaced by T.
Protein change: p.Pro1575Ser; replaces proline 1575 with serine.
Molecular consequence: missense variant.
Genome position (GRCh38, 1-based): chr11:68,448,945, C>T. VCF-style: chr11-68448945-C-T. GRCh37 (hg19) VCF-style: chr11-68216413-C-T.
Other names: c.2980C>T, p.Pro994Ser (NM_001291902.2); short protein forms P1575S, P994S.
Identifiers: ClinVar variation 2702637 (VCV002702637.3), dbSNP rs2496957048, ClinGen allele CA381618400.

ClinVar aggregate classification (germline): Uncertain significance (1 of 4 stars; one submission).

Submission:

Labcorp Genetics (formerly Invitae), Labcorp
Classification: Uncertain significance. Last evaluated: 2023-12-13. Review status: criteria provided, single submitter. Criteria: Invitae Variant Classification Sherloc (09022015). Collection method: clinical testing. Allele origin: germline.
Comment: This sequence change replaces proline, which is neutral and non-polar, with serine, which is neutral and polar, at codon 1575 of the LRP5 protein (p.Pro1575Ser). This variant is not present in population databases (gnomAD no frequency). This variant has not been reported in the literature in individuals affected with LRP5-related conditions. Advanced modeling of protein sequence and biophysical properties (such as structural, functional, and spatial information, amino acid conservation, physicochemical variation, residue mobility, and thermodynamic stability) performed at Invitae indicates that this missense variant is not expected to disrupt LRP5 protein function with a negative predictive value of 95%. In summary, the available evidence is currently insufficient to determine the role of this variant in disease. Therefore, it has been classified as a Variant of Uncertain Significance.